The following is an entry in ClinVar:

NM_001127198.5(TMC6):c.894T>C (p.Gly298=)

Gene: TMC6 (transmembrane channel like 6; minus strand). Cytogenetic location: 17q25.3.
Variant type: single nucleotide variant.
Coding change: c.894T>C on transcript NM_001127198.5 (MANE Select); coding-DNA position 894, T replaced by C.
Protein change: p.Gly298=; no amino-acid change (glycine 298 retained).
Molecular consequence: synonymous variant. On other transcripts: non-coding transcript variant (4).
Genome position (GRCh38, 1-based): chr17:78,124,177, A>G on the plus strand (T>C on the coding strand, the complement: TMC6 is on the minus strand). VCF-style: chr17-78124177-A-G. GRCh37 (hg19) VCF-style: chr17-76120258-A-G.
Other names: c.894T>C, p.Gly298= (NM_001321185.1, NM_001374593.1, NM_001374594.1 and 4 more transcripts).
Identifiers: ClinVar variation 1984477 (VCV001984477.6), dbSNP rs867650309, ClinGen allele CA294353684.
Genomic context (GRCh38, chr17:78,124,177, plus strand): 5'-CGGCTGGTTCAGCGTGGCGTTACTGTAGTGGCCGTAGTACATGACGGTGTGGGTGAAGCA[A>G]CCCTGCCACAGGGAGATCCAGCCGAGTCAGGGACTTTCCCCACGCCCCACCCGACCCTCA-3'
Protein context (NP_001120670.1, residues 288-308): CTGLELLTGA[Gly298=]CFTHTVMYYG

ClinVar aggregate classification (germline): Likely benign. Review status: criteria provided, single submitter (1 of 4 stars). 2 submissions from 2 submitters: Likely benign (1). 1 of the submissions does not count toward it. Last evaluated 2022-02-03.

Conditions:
TMC6-related disorder. Also called: TMC6-related condition.
Epidermodysplasia verruciformis. Identifiers: Orphanet 302, MedGen C0014522, MONDO:0009176.

Allele frequency attached by ClinVar (database versions not stated): gnomAD exomes 0.00001.
gnomAD v4.1: 3 of 1,600,610 alleles (0.00019%); highest among the groups gnomAD compares: Middle Eastern, 0.063%; 1 homozygote.

Submissions (2):

Labcorp Genetics (formerly Invitae), Labcorp
Classification: Likely benign for Epidermodysplasia verruciformis. Last evaluated: 2022-02-03. Review status: criteria provided, single submitter. Criteria: Invitae Variant Classification Sherloc (09022015). Collection method: clinical testing. Allele origin: germline.

PreventionGenetics, part of Exact Sciences
Classification: Likely benign for TMC6-related condition. Last evaluated: 2022-11-21. Review status: no assertion criteria provided. Collection method: clinical testing. Allele origin: germline. Not counted in ClinVar's aggregate classification.
Comment: This variant is classified as likely benign based on ACMG/AMP sequence variant interpretation guidelines (Richards et al. 2015 PMID: 25741868, with internal and published modifications).